The following is an entry in ClinVar:

ClinVar aggregate classification (germline): Uncertain significance. Review status: criteria provided, multiple submitters, no conflicts (2 of 4 stars). 3 submissions from 3 submitters: Uncertain significance (3). Last evaluated 2024-11-24.

Conditions:
Hereditary sensory and autonomic neuropathy type 1 (HSAN1). Also called: HSAN 1; HSN Type I; Hereditary Sensory Neuropathy Type I. Identifiers: Orphanet 36386, MedGen C0020071, MONDO:0018213.

Allele frequency attached by ClinVar (database versions not stated): ExAC 0.00001; gnomAD exomes 0.00001.
gnomAD v4.1: 10 of 1,613,784 alleles (0.00062%); highest among the groups gnomAD compares: Non-Finnish European, 0.00076%; no homozygotes.

Submissions (3):

GeneDx
Classification: Uncertain significance. Last evaluated: 2024-11-24. Review status: criteria provided, single submitter. Criteria: GeneDx Variant Classification Process June 2021. Collection method: clinical testing. Allele origin: germline. Affected: yes.
Comment: Nonsense variant predicted to result in protein truncation or nonsense mediated decay in a gene or region of a gene for which loss of function is not a well-established mechanism of disease; Not observed at significant frequency in large population cohorts (gnomAD); Has not been previously published as pathogenic or benign to our knowledge

Women's Health and Genetics/Laboratory Corporation of America, LabCorp
Classification: Uncertain significance. Last evaluated: 2023-12-15. Review status: criteria provided, single submitter. Criteria: LabCorp Variant Classification Summary - May 2015. Collection method: clinical testing. Allele origin: germline.
Comment: Variant summary: SPTLC1 c.655C>T (p.Arg219X) results in a premature termination codon, predicted to cause a truncation of the encoded protein or absence of the protein due to nonsense mediated decay, however there is not enough evidence to establish the molecular mechanism of disease as loss-of-function for this gene. The variant allele was found at a frequency of 1.2e-05 in 251002 control chromosomes. The available data on variant occurrences in the general population are insufficient to allow any conclusion about variant significance. To our knowledge, no occurrence of c.655C>T in individuals affected with Neuropathy, Hereditary Sensory And Autonomic, Type 1A and no experimental evidence demonstrating its impact on protein function have been reported. One submitter has cited clinical-significance assessments for this variant to ClinVar after 2014 and has classified the variant as uncertain significance. Based on the evidence outlined above, the variant was classified as uncertain significance.

Labcorp Genetics (formerly Invitae), Labcorp
Classification: Uncertain significance for Hereditary sensory and autonomic neuropathy type 1. Last evaluated: 2023-12-05. Review status: criteria provided, single submitter. Criteria: Invitae Variant Classification Sherloc (09022015). Collection method: clinical testing. Allele origin: germline.
Comment: This sequence change creates a premature translational stop signal (p.Arg219*) in the SPTLC1 gene. It is expected to result in an absent or disrupted protein product. However, the current clinical and genetic evidence is not sufficient to establish whether loss-of-function variants in SPTLC1 cause disease. This variant is present in population databases (rs758622840, gnomAD 0.003%). This variant has not been reported in the literature in individuals affected with SPTLC1-related conditions. ClinVar contains an entry for this variant (Variation ID: 854822). In summary, the available evidence is currently insufficient to determine the role of this variant in disease. Therefore, it has been classified as a Variant of Uncertain Significance.

NM_006415.4(SPTLC1):c.655C>T (p.Arg219Ter)

Gene: SPTLC1 (serine palmitoyltransferase long chain base subunit 1; minus strand). Cytogenetic location: 9q22.31.
Variant type: single nucleotide variant.
Coding change: c.655C>T on transcript NM_006415.4 (MANE Select); coding-DNA position 655, C replaced by T.
Protein change: p.Arg219Ter; replaces arginine 219 with a stop codon.
Molecular consequence: nonsense.
Genome position (GRCh38, 1-based): chr9:92,059,214, G>A on the plus strand (C>T on the coding strand, the complement: SPTLC1 is on the minus strand). VCF-style: chr9-92059214-G-A. GRCh37 (hg19) VCF-style: chr9-94821496-G-A.
Other names: c.655C>T (NM_006415.2); c.655C>T, p.Arg219Ter (NM_001281303.2); c.289C>T, p.Arg97Ter (NM_001368272.1); c.190C>T, p.Arg64Ter (NM_001368273.1); short protein forms R97*, R219*, R64*.
Identifiers: ClinVar variation 854822 (VCV000854822.9), dbSNP rs758622840, ClinGen allele CA5121486.